The following is an entry in ClinVar:

ClinVar aggregate classification (germline): Uncertain significance. Review status: criteria provided, multiple submitters, no conflicts (2 of 4 stars). 2 submissions from 2 submitters: Uncertain significance (2). Last evaluated 2025-05-25.

Conditions:
Medulloblastoma (MDB). Also called: Medulloblastoma, somatic; MEDULLOBLASTOMA PREDISPOSITION SYNDROME. Identifiers: Orphanet 616, MedGen C0025149, MeSH D008527, MONDO:0007959, OMIM 155255, HP:0002885.

Allele frequency attached by ClinVar (database versions not stated): gnomAD exomes 0.00001 and 0.00002; gnomAD 0.00002; TOPMed 0.00002.
gnomAD v4.1: 34 of 1,614,014 alleles (0.0021%); highest among the groups gnomAD compares: Non-Finnish European, 0.0024%; no homozygotes.

Submissions (2):

Labcorp Genetics (formerly Invitae), Labcorp
Classification: Uncertain significance. Last evaluated: 2025-05-25. Review status: criteria provided, single submitter. Criteria: Invitae Variant Classification Sherloc (09022015). Collection method: clinical testing. Allele origin: germline.
Comment: This sequence change replaces phenylalanine, which is neutral and non-polar, with cysteine, which is neutral and slightly polar, at codon 7 of the ELP1 protein (p.Phe7Cys). This variant is present in population databases (no rsID available, gnomAD 0.002%). This variant has not been reported in the literature in individuals affected with ELP1-related conditions. ClinVar contains an entry for this variant (Variation ID: 1386480). Invitae Evidence Modeling of protein sequence and biophysical properties (such as structural, functional, and spatial information, amino acid conservation, physicochemical variation, residue mobility, and thermodynamic stability) indicates that this missense variant is not expected to disrupt ELP1 protein function with a negative predictive value of 80%. In summary, the available evidence is currently insufficient to determine the role of this variant in disease. Therefore, it has been classified as a Variant of Uncertain Significance.

St. Jude Molecular Pathology, St. Jude Children's Research Hospital
Classification: Uncertain significance for Medulloblastoma. Last evaluated: 2024-12-18. Review status: criteria provided, single submitter. Criteria: St. Jude Assertion Criteria 2020. Collection method: clinical testing. Allele origin: germline.
Comment: The ELP1 c.20T>G (p.Phe7Cys) missense change has a maximum subpopulation frequency of 0.002% in gnomAD v2.1.1. The in silico tool REVEL predicts a benign effect on protein function, but to our knowledge this prediction has not been confirmed by functional studies. To our knowledge, this variant has not been reported in individuals with a personal history of medulloblastoma or familial dysautonomia. In summary, the evidence currently available is insufficient to determine the clinical significance of this variant. It has therefore been classified as of uncertain significance.

NM_003640.5(ELP1):c.20T>G (p.Phe7Cys)

Gene: ELP1 (elongator acetyltransferase complex subunit 1; minus strand). Cytogenetic location: 9q31.3.
Variant type: single nucleotide variant.
Coding change: c.20T>G on transcript NM_003640.5 (MANE Select); coding-DNA position 20, T replaced by G.
Protein change: p.Phe7Cys; replaces phenylalanine 7 with cysteine.
Molecular consequence: missense variant. On other transcripts: 5 prime UTR variant (1), intron variant (1).
Genome position (GRCh38, 1-based): chr9:108,931,127, A>C on the plus strand (T>G on the coding strand, the complement: ELP1 is on the minus strand). VCF-style: chr9-108931127-A-C. GRCh37 (hg19) VCF-style: chr9-111693407-A-C.
Other names: c.-840T>G (NM_001330749.2); c.-252-71T>G (NM_001318360.2); short protein forms F7C.
Identifiers: ClinVar variation 1386480 (VCV001386480.5), dbSNP rs1379847365, ClinGen allele CA374395358.